The following is an entry in ClinVar:

ClinVar aggregate classification (germline): Uncertain significance. Review status: criteria provided, multiple submitters, no conflicts (2 of 4 stars). 2 submissions from 2 submitters: Uncertain significance (2). Last evaluated 2022-08-17.

Conditions:
Charcot-Marie-Tooth disease axonal type 2O. Also called: CHARCOT-MARIE-TOOTH NEUROPATHY, AXONAL, TYPE 2O; CHARCOT-MARIE-TOOTH DISEASE, AXONAL, AUTOSOMAL DOMINANT, TYPE 2O; Charcot-Marie-Tooth Neuropathy Type 2O; Charcot-Marie-Tooth disease, axonal, type 20. Identifiers: Orphanet 284232, MedGen C3280220, MONDO:0013644, OMIM 614228.

Allele frequency attached by ClinVar (database versions not stated): gnomAD exomes below 0.00001.
gnomAD v4.1: 3 of 1,614,198 alleles (0.00019%); highest among the groups gnomAD compares: Non-Finnish European, 0.00025%; no homozygotes.

Submissions (2):

Blueprint Genetics
Classification: Uncertain significance. Last evaluated: 2022-08-17. Review status: criteria provided, single submitter. Criteria: ACMG Guidelines, 2015. Collection method: clinical testing. Allele origin: germline.

Labcorp Genetics (formerly Invitae), Labcorp
Classification: Uncertain significance for Charcot-Marie-Tooth disease axonal type 2O. Last evaluated: 2022-02-05. Review status: criteria provided, single submitter. Criteria: Invitae Variant Classification Sherloc (09022015). Collection method: clinical testing. Allele origin: germline.
Comment: This variant has not been reported in the literature in individuals affected with DYNC1H1-related conditions. This variant is not present in population databases (gnomAD no frequency). This sequence change replaces alanine, which is neutral and non-polar, with threonine, which is neutral and polar, at codon 492 of the DYNC1H1 protein (p.Ala492Thr). In summary, the available evidence is currently insufficient to determine the role of this variant in disease. Therefore, it has been classified as a Variant of Uncertain Significance. Advanced modeling of protein sequence and biophysical properties (such as structural, functional, and spatial information, amino acid conservation, physicochemical variation, residue mobility, and thermodynamic stability) performed at Invitae indicates that this missense variant is not expected to disrupt DYNC1H1 protein function.

NM_001376.5(DYNC1H1):c.1474G>A (p.Ala492Thr)

Gene: DYNC1H1 (dynein cytoplasmic 1 heavy chain 1; plus strand). Cytogenetic location: 14q32.31.
Variant type: single nucleotide variant.
Coding change: c.1474G>A on transcript NM_001376.5 (MANE Select); coding-DNA position 1474, G replaced by A.
Protein change: p.Ala492Thr; replaces alanine 492 with threonine.
Molecular consequence: missense variant.
Genome position (GRCh38, 1-based): chr14:101,985,699, G>A. VCF-style: chr14-101985699-G-A. GRCh37 (hg19) VCF-style: chr14-102452036-G-A.
Other names: short protein forms A492T.
Identifiers: ClinVar variation 1503809 (VCV001503809.9), dbSNP rs75648834, ClinGen allele CA391017799.